The following is an entry in ClinVar:

ClinVar aggregate classification (germline): Conflicting classifications of pathogenicity. Review status: criteria provided, conflicting classifications (1 of 4 stars). 3 submissions from 3 submitters: Uncertain significance (2); Likely benign (1). Last evaluated 2024-10-11.

Conditions:
Hereditary cancer-predisposing syndrome. Also called: Neoplastic Syndromes, Hereditary; Hereditary Cancer Syndrome; Tumor predisposition; Hereditary neoplastic syndrome. Identifiers: Orphanet 140162, MedGen C0027672, MeSH D009386, MONDO:0015356.
Familial adenomatous polyposis 2. Also called: FAP type 2; COLORECTAL ADENOMATOUS POLYPOSIS, AUTOSOMAL RECESSIVE; MYH-associated polyposis; MUTYH-associated polyposis; Adenomas, multiple colorectal; ADENOMAS, MULTIPLE COLORECTAL, AUTOSOMAL RECESSIVE. Identifiers: Orphanet 220460, Orphanet 247798, MedGen C3272841, MONDO:0012041, OMIM 608456.

Allele frequency attached by ClinVar (database versions not stated): gnomAD 0.00001; ExAC 0.00010.
gnomAD v4.1: 33 of 1,613,720 alleles (0.002%); highest among the groups gnomAD compares: Non-Finnish European, 0.0014%; no homozygotes.

Submissions (3):

Ambry Genetics
Classification: Likely benign for Hereditary cancer-predisposing syndrome. Last evaluated: 2024-10-11. Review status: criteria provided, single submitter. Criteria: Ambry Variant Classification Scheme 2023. Collection method: clinical testing. Allele origin: germline.

Labcorp Genetics (formerly Invitae), Labcorp
Classification: Uncertain significance for Familial adenomatous polyposis 2. Last evaluated: 2024-07-11. Review status: criteria provided, single submitter. Criteria: Invitae Variant Classification Sherloc (09022015). Collection method: clinical testing. Allele origin: germline.
Comment: This sequence change replaces proline, which is neutral and non-polar, with arginine, which is basic and polar, at codon 3 of the MUTYH protein (p.Pro3Arg). This variant is present in population databases (rs745424307, gnomAD 0.02%). This variant has not been reported in the literature in individuals affected with MUTYH-related conditions. ClinVar contains an entry for this variant (Variation ID: 480012). An algorithm developed to predict the effect of missense changes on protein structure and function outputs the following: PolyPhen-2: "Benign". The arginine amino acid residue is found in multiple mammalian species, which suggests that this missense change does not adversely affect protein function. In summary, the available evidence is currently insufficient to determine the role of this variant in disease. Therefore, it has been classified as a Variant of Uncertain Significance.

Color Diagnostics, LLC DBA Color Health
Classification: Uncertain significance for Hereditary cancer-predisposing syndrome. Last evaluated: 2020-12-21. Review status: criteria provided, single submitter. Criteria: ACMG Guidelines, 2015. Collection method: clinical testing. Allele origin: germline.
Comment: This missense variant replaces proline with arginine at codon 3 of the MUTYH protein. Computational prediction suggests that this variant may not impact protein structure and function (internally defined REVEL score threshold <= 0.5, PMID: 27666373). To our knowledge, functional studies have not been reported for this variant. This variant has not been reported in individuals affected with hereditary cancer in the literature. This variant has been identified in 17/249188 chromosomes in the general population by the Genome Aggregation Database (gnomAD). The available evidence is insufficient to determine the role of this variant in disease conclusively. Therefore, this variant is classified as a Variant of Uncertain Significance.

NM_001128425.2(MUTYH):c.8C>G (p.Pro3Arg)

Genes: MUTYH (mutY DNA glycosylase; minus strand), TOE1 (target of EGR1, exonuclease; plus strand). Cytogenetic location: 1p34.1.
Variant type: single nucleotide variant.
Coding change: c.8C>G on transcript NM_001128425.2 (MANE Plus Clinical); coding-DNA position 8, C replaced by G.
Protein change: p.Pro3Arg; replaces proline 3 with arginine.
Molecular consequence: missense variant. On other transcripts: 5 prime UTR variant (8), non-coding transcript variant (3).
Genome position (GRCh38, 1-based): chr1:45,340,247, G>C on the plus strand (C>G on the coding strand, the complement: MUTYH is on the minus strand). VCF-style: chr1-45340247-G-C. GRCh37 (hg19) VCF-style: chr1-45805919-G-C.
Other names: c.-6G>C (NM_025077.4); c.-35C>G (NM_001048171.2); c.8C>G, p.Pro3Arg (NM_001293190.2, NM_001407069.1, NM_001407073.1 and 1 more transcripts); c.-247C>G (NM_001293192.2); c.-306C>G (NM_001350650.2); c.-242C>G (NM_001350651.2); c.-51C>G (NM_001407070.1, NM_001407071.1); c.-31C>G (NM_001407072.1); short protein forms P3R.
Identifiers: ClinVar variation 480012 (VCV000480012.16), dbSNP rs745424307, ClinGen allele CA089510.